The following is an entry in ClinVar:

NM_000452.3(SLC10A2):c.347C>T (p.Ala116Val)

Gene: SLC10A2 (solute carrier family 10 member 2; minus strand). Cytogenetic location: 13q33.1.
Variant type: single nucleotide variant.
Coding change: c.347C>T on transcript NM_000452.3 (MANE Select); coding-DNA position 347, C replaced by T.
Protein change: p.Ala116Val; replaces alanine 116 with valine.
Molecular consequence: missense variant.
Genome position (GRCh38, 1-based): chr13:103,065,903, G>A on the plus strand (C>T on the coding strand, the complement: SLC10A2 is on the minus strand). VCF-style: chr13-103065903-G-A. GRCh37 (hg19) VCF-style: chr13-103718253-G-A.
Other names: p.Ala116Val; c.347C>T (NM_000452.2); short protein forms A116V.
Identifiers: ClinVar variation 595946 (VCV000595946.13), dbSNP rs201133082, ClinGen allele CA7042277.

ClinVar aggregate classification (germline): Uncertain significance. Review status: criteria provided, multiple submitters, no conflicts (2 of 4 stars). 6 submissions from 6 submitters: Uncertain significance (6). Last evaluated 2026-01-24.

Conditions:
Bile acid malabsorption, primary, 1 (PBAM1). Also called: Bile acid malabsorption, primary. Identifiers: MedGen C5561934, MONDO:0013214, OMIM 613291.
SLC10A2-related disorder. Also called: SLC10A2-related condition.

Allele frequency attached by ClinVar (database versions not stated): gnomAD exomes 0.00007 and 0.00008; gnomAD 0.00009; TOPMed 0.00010; ExAC 0.00012.
gnomAD v4.1: 128 of 1,613,942 alleles (0.0079%); highest among the groups gnomAD compares: Middle Eastern, 0.016%; no homozygotes.

Submissions (6):

Labcorp Genetics (formerly Invitae), Labcorp
Classification: Uncertain significance. Last evaluated: 2026-01-24. Review status: criteria provided, single submitter. Criteria: Invitae Variant Classification Sherloc (09022015). Collection method: clinical testing. Allele origin: germline.
Comment: This sequence change replaces alanine, which is neutral and non-polar, with valine, which is neutral and non-polar, at codon 116 of the SLC10A2 protein (p.Ala116Val). This variant is present in population databases (rs201133082, gnomAD 0.02%). This variant has not been reported in the literature in individuals affected with SLC10A2-related conditions. ClinVar contains an entry for this variant (Variation ID: 595946). Invitae Evidence Modeling of protein sequence and biophysical properties (such as structural, functional, and spatial information, amino acid conservation, physicochemical variation, residue mobility, and thermodynamic stability) indicates that this missense variant is not expected to disrupt SLC10A2 protein function with a negative predictive value of 80%. In summary, the available evidence is currently insufficient to determine the role of this variant in disease. Therefore, it has been classified as a Variant of Uncertain Significance.

PreventionGenetics, part of Exact Sciences
Classification: Uncertain significance for SLC10A2-related condition. Last evaluated: 2025-12-09. Review status: criteria provided, single submitter. Criteria: ACMG Guidelines, 2015. Collection method: clinical testing. Allele origin: germline.
Comment: The SLC10A2 c.347C>T variant is predicted to result in the amino acid substitution p.Ala116Val. To our knowledge, this variant has not been reported in the literature. This variant is reported in 0.016% of alleles in individuals of European (Non-Finnish) descent in gnomAD. At this time, the clinical significance of this variant is uncertain due to the absence of conclusive functional and genetic evidence.

Mayo Clinic Laboratories, Mayo Clinic
Classification: Uncertain significance. Last evaluated: 2024-02-13. Review status: criteria provided, single submitter. Criteria: ACMG Guidelines, 2015. Collection method: clinical testing. Allele origin: germline. Observed: 1 variant allele.
Comment: BP4

Department of Pathology and Laboratory Medicine, Sinai Health System
Classification: Uncertain significance for Bile acid malabsorption, primary, 1. Last evaluated: 2023-02-08. Review status: criteria provided, single submitter. Criteria: ACMG Guidelines, 2015. Collection method: research. Allele origin: germline.

Ambry Genetics
Classification: Uncertain significance. Last evaluated: 2022-06-03. Review status: criteria provided, single submitter. Criteria: Ambry Variant Classification Scheme 2023. Collection method: clinical testing. Allele origin: germline.

Eurofins Ntd Llc (ga)
Classification: Uncertain significance. Last evaluated: 2018-01-30. Review status: criteria provided, single submitter. Criteria: EGL Classification Definitions 2015. Collection method: clinical testing. Allele origin: germline. Observed: 1 variant allele, 1 heterozygote.